The following is an entry in ClinVar:

ClinVar aggregate classification (germline): Uncertain significance (1 of 4 stars; one submission).

gnomAD v4.1: 1 of 1,612,142 alleles (0.000062%); highest among the groups gnomAD compares: Non-Finnish European, 0.000085%; no homozygotes.

Submission:

Labcorp Genetics (formerly Invitae), Labcorp
Classification: Uncertain significance. Last evaluated: 2022-07-03. Review status: criteria provided, single submitter. Criteria: Invitae Variant Classification Sherloc (09022015). Collection method: clinical testing. Allele origin: germline.
Comment: In summary, the available evidence is currently insufficient to determine the role of this variant in disease. Therefore, it has been classified as a Variant of Uncertain Significance. Algorithms developed to predict the effect of missense changes on protein structure and function output the following: SIFT: "Tolerated"; PolyPhen-2: "Not Available"; Align-GVGD: "Class C0". The alanine amino acid residue is found in multiple mammalian species, which suggests that this missense change does not adversely affect protein function. This variant has not been reported in the literature in individuals affected with SRCAP-related conditions. This variant is present in population databases (no rsID available, gnomAD 0.0009%). This sequence change replaces proline, which is neutral and non-polar, with alanine, which is neutral and non-polar, at codon 2451 of the SRCAP protein (p.Pro2451Ala).

NM_006662.3(SRCAP):c.7351C>G (p.Pro2451Ala)

Gene: SRCAP (Snf2 related CREBBP activator protein; plus strand). Cytogenetic location: 16p11.2.
Variant type: single nucleotide variant.
Coding change: c.7351C>G on transcript NM_006662.3 (MANE Select); coding-DNA position 7351, C replaced by G.
Protein change: p.Pro2451Ala; replaces proline 2451 with alanine.
Molecular consequence: missense variant.
Genome position (GRCh38, 1-based): chr16:30,737,391, C>G. VCF-style: chr16-30737391-C-G. GRCh37 (hg19) VCF-style: chr16-30748712-C-G.
Other names: short protein forms P2451A.
Identifiers: ClinVar variation 2117914 (VCV002117914.4), dbSNP rs774201662, ClinGen allele CA395632618.